The following is an entry in ClinVar:

NM_005559.4(LAMA1):c.2462C>T (p.Pro821Leu)

Gene: LAMA1 (laminin subunit alpha 1; minus strand). Cytogenetic location: 18p11.31.
Variant type: single nucleotide variant.
Coding change: c.2462C>T on transcript NM_005559.4 (MANE Select); coding-DNA position 2462, C replaced by T.
Protein change: p.Pro821Leu; replaces proline 821 with leucine.
Molecular consequence: missense variant.
Genome position (GRCh38, 1-based): chr18:7,024,407, G>A on the plus strand (C>T on the coding strand, the complement: LAMA1 is on the minus strand). VCF-style: chr18-7024407-G-A. GRCh37 (hg19) VCF-style: chr18-7024406-G-A.
Other names: short protein forms P821L.
Identifiers: ClinVar variation 4096052 (VCV004096052.2).

ClinVar aggregate classification (germline): Uncertain significance. Review status: criteria provided, multiple submitters, no conflicts (2 of 4 stars). 2 submissions from 2 submitters: Uncertain significance (2). Last evaluated 2026-02-10.

Conditions:
Inborn genetic diseases. Identifiers: MedGen C0950123, MeSH D030342.

gnomAD v4.1: 12 of 1,613,848 alleles (0.00074%); highest among the groups gnomAD compares: East Asian, 0.0045%; no homozygotes.

Submissions (2):

GeneDx
Classification: Uncertain significance. Last evaluated: 2026-02-10. Review status: criteria provided, single submitter. Criteria: GeneDx Variant Classification Process June 2021. Collection method: clinical testing. Allele origin: germline.
Comment: Not observed at significant frequency in large population cohorts (gnomAD); In silico analysis supports that this missense variant has a deleterious effect on protein structure/function; Has not been previously published as pathogenic or benign to our knowledge

Ambry Genetics
Classification: Uncertain significance for Inborn genetic diseases. Last evaluated: 2025-08-25. Review status: criteria provided, single submitter. Criteria: Ambry Variant Classification Scheme 2023. Collection method: clinical testing. Allele origin: germline.